The following is an entry in ClinVar:

NM_002880.4(RAF1):c.533C>G (p.Thr178Ser)

Gene: RAF1 (Raf-1 proto-oncogene, serine/threonine kinase; minus strand). Cytogenetic location: 3p25.2.
Variant type: single nucleotide variant.
Coding change: c.533C>G on transcript NM_002880.4 (MANE Select); coding-DNA position 533, C replaced by G.
Protein change: p.Thr178Ser; replaces threonine 178 with serine.
Molecular consequence: missense variant. On other transcripts: non-coding transcript variant (3).
Genome position (GRCh38, 1-based): chr3:12,608,814, G>C on the plus strand (C>G on the coding strand, the complement: RAF1 is on the minus strand). VCF-style: chr3-12608814-G-C. GRCh37 (hg19) VCF-style: chr3-12650313-G-C.
Other names: c.533C>G, p.Thr178Ser (NM_001354689.3, NM_001354690.3, NM_001354693.3); c.290C>G, p.Thr97Ser (NM_001354691.3, NM_001354692.3, NM_001354694.3 and 1 more transcripts); c.533C>G (NM_002880.3); short protein forms T178S, T97S.
Identifiers: ClinVar variation 1474701 (VCV001474701.9), dbSNP rs1232843195, ClinGen allele CA351516651.

ClinVar aggregate classification (germline): Uncertain significance. Review status: criteria provided, multiple submitters, no conflicts (2 of 4 stars). 2 submissions from 2 submitters: Uncertain significance (2). Last evaluated 2025-06-02.

Conditions:
RASopathy. Also called: rasopathies; Noonan spectrum disorder. Identifiers: Orphanet 536391, MedGen C5555857, MONDO:0021060.

Allele frequency attached by ClinVar (database versions not stated): gnomAD exomes below 0.00001; TOPMed 0.00001.
gnomAD v4.1: 1 of 1,614,076 alleles (0.000062%); highest among the groups gnomAD compares: Non-Finnish European, 0.000085%; no homozygotes.

Submissions (2):

GeneDx
Classification: Uncertain significance. Last evaluated: 2025-06-02. Review status: criteria provided, single submitter. Criteria: GeneDx Variant Classification Process June 2021. Collection method: clinical testing. Allele origin: germline. Affected: yes.
Comment: Not observed at significant frequency in large population cohorts (gnomAD); Missense variants in this gene are a common cause of disease and they are underrepresented in the general population; In silico analysis suggests that this missense variant does not alter protein structure/function; Has not been previously reported as pathogenic or benign in association with RAF1-related disorders to our knowledge; This variant is associated with the following publications: (PMID: 29493581, 38499327)

Labcorp Genetics (formerly Invitae), Labcorp
Classification: Uncertain significance for RASopathy. Last evaluated: 2022-07-26. Review status: criteria provided, single submitter. Criteria: Invitae Variant Classification Sherloc (09022015). Collection method: clinical testing. Allele origin: germline.
Comment: This sequence change replaces threonine, which is neutral and polar, with serine, which is neutral and polar, at codon 178 of the RAF1 protein (p.Thr178Ser). In summary, the available evidence is currently insufficient to determine the role of this variant in disease. Therefore, it has been classified as a Variant of Uncertain Significance. Algorithms developed to predict the effect of missense changes on protein structure and function (SIFT, PolyPhen-2, Align-GVGD) all suggest that this variant is likely to be tolerated. ClinVar contains an entry for this variant (Variation ID: 1474701). This variant has not been reported in the literature in individuals affected with RAF1-related conditions. This variant is not present in population databases (gnomAD no frequency).